The following is an entry in ClinVar:

ClinVar aggregate classification (germline): Uncertain significance. Review status: criteria provided, multiple submitters, no conflicts (2 of 4 stars). 3 submissions from 3 submitters: Uncertain significance (3). Last evaluated 2025-05-07.

Conditions:
MED12-Related Disorders. Also called: MED12-related condition; MED12-related disorder. Identifiers: MedGen CN381102.

Allele frequency attached by ClinVar (database versions not stated): gnomAD 0.00001; TOPMed 0.00001.
gnomAD v4.1: 2 of 1,207,941 alleles (0.00017%); highest among the groups gnomAD compares: African/African-American, 0.0018%; no homozygotes.

Submissions (3):

PreventionGenetics, part of Exact Sciences
Classification: Uncertain significance for MED12-related condition. Last evaluated: 2025-05-07. Review status: criteria provided, single submitter. Criteria: ACMG Guidelines, 2015. Collection method: clinical testing. Allele origin: germline.
Comment: The MED12 c.1753C>G variant is predicted to result in the amino acid substitution p.Arg585Gly. This variant was reported in a patient with a syndromic developmental disorder and the variant was inherited from the mother (Mena et al. 2020. PubMed ID: 33219631). This variant has not been reported in a large population database (gnomAD), indicating this variant is rare. At this time, the clinical significance of this variant is uncertain due to the absence of conclusive functional and genetic evidence.

GeneDx
Classification: Uncertain significance. Last evaluated: 2023-03-15. Review status: criteria provided, single submitter. Criteria: GeneDx Variant Classification Process June 2021. Collection method: clinical testing. Allele origin: germline. Affected: yes.
Comment: Observed as a maternally inherited variant in an individual with a syndromic developmental disorder (Mena et al., 2020); Not observed at significant frequency in large population cohorts (gnomAD); In silico analysis supports that this missense variant does not alter protein structure/function; This variant is associated with the following publications: (PMID: 33219631)

Revvity Omics, Revvity
Classification: Uncertain significance. Last evaluated: 2019-05-22. Review status: criteria provided, single submitter. Criteria: ACMG Guidelines, 2015. Collection method: clinical testing. Allele origin: germline.

NM_005120.3(MED12):c.1753C>G (p.Arg585Gly)

Gene: MED12 (mediator complex subunit 12; plus strand). Cytogenetic location: Xq13.1.
Variant type: single nucleotide variant.
Coding change: c.1753C>G on transcript NM_005120.3 (MANE Select); coding-DNA position 1753, C replaced by G.
Protein change: p.Arg585Gly; replaces arginine 585 with glycine.
Molecular consequence: missense variant.
Genome position (GRCh38, 1-based): chrX:71,124,167, C>G. VCF-style: chrX-71124167-C-G. GRCh37 (hg19) VCF-style: chrX-70344017-C-G.
Other names: short protein forms R585G.
Identifiers: ClinVar variation 2433693 (VCV002433693.5), dbSNP rs2092296948, ClinGen allele CA413508836.
Genomic context (GRCh38, chrX:71,124,167, plus strand): 5'-GCCCACCTTTTTGTGTTCTCCTAACTTATGTTTCCTCATTCCCTTCCTCCAGCGGACCCT[C>G]GAAGTGAGAGTGAGCGGGTGGAATTCTTTAACTTAGTACTGCTGTTCTGTGAACTGATTC-3'
Protein context (NP_005111.2, residues 575-595): DTQAPMLTDP[Arg585Gly]SESERVEFFN